The following is an entry in ClinVar:

NM_000492.4(CFTR):c.4262T>A (p.Val1421Glu)

Genes: CFTR (CF transmembrane conductance regulator; plus strand), LOC111674477 (CFTR intron 23 enhancer; plus strand). Cytogenetic location: 7q31.2.
Variant type: single nucleotide variant.
Coding change: c.4262T>A on transcript NM_000492.4 (MANE Select); coding-DNA position 4262, T replaced by A.
Protein change: p.Val1421Glu; replaces valine 1421 with glutamic acid.
Molecular consequence: missense variant.
Genome position (GRCh38, 1-based): chr7:117,666,927, T>A. VCF-style: chr7-117666927-T-A. GRCh37 (hg19) VCF-style: chr7-117306981-T-A.
Other names: short protein forms V1421E.
Identifiers: ClinVar variation 2627368 (VCV002627368.10), dbSNP rs2116226142, ClinGen allele CA368984454.
Genomic context (GRCh38, chr7:117,666,927, plus strand): 5'-CTGCCTTCTGTCCCAGATCTCACTAACAGCCATTTCCCTAGGTCATAGAAGAGAACAAAG[T>A]GCGGCAGTACGATTCCATCCAGAAACTGCTGAACGAGAGGAGCCTCTTCCGGCAAGCCAT-3'
Protein context (NP_000483.3, residues 1411-1431): QQFLVIEENK[Val1421Glu]RQYDSIQKLL

ClinVar aggregate classification (germline): Likely pathogenic. Review status: criteria provided, multiple submitters, no conflicts (2 of 4 stars). 4 submissions from 4 submitters: Likely pathogenic (4). Last evaluated 2026-01-20.

Conditions:
CFTR-related disorder (CFTR-RD). Also called: CFTR-related condition; CFTR-related disorders. Identifiers: MedGen C5924204, MONDO:7770004.
Bronchiectasis with or without elevated sweat chloride 1 (BESC1). Also called: Cystic Fibrosis-Like Syndrome. Identifiers: Orphanet 60033, MedGen C2749757, MONDO:0008887, OMIM 211400.
Cystic fibrosis (CF). Also called: MUCOVISCIDOSIS. Identifiers: Orphanet 586, MedGen C0010674, MONDO:0009061, OMIM 219700. Disease mechanism: loss of function.

Submissions (4):

Women's Health and Genetics/Laboratory Corporation of America, LabCorp
Classification: Likely pathogenic for Cystic fibrosis. Last evaluated: 2026-01-20. Review status: criteria provided, single submitter. Criteria: LabCorp Variant Classification Summary - May 2015. Collection method: clinical testing. Allele origin: germline.
Comment: Variant summary: CFTR c.4262T>A (p.Val1421Glu) results in a non-conservative amino acid change in the encoded protein sequence. Algorithms developed to predict the effect of missense changes on protein structure and function all suggest that this variant is likely to be disruptive. The variant was absent in 250530 control chromosomes. c.4262T>A has been reported in the presumed or confirmed compound heterozygous state in the literature in multiple individuals affected with Cystic Fibrosis and/or congenital bilateral absence of the vas deferens (examples: Hu_2017, Petrova_2019, Qu_2023, Hu_2024, Lu_2025). At least one publication reports experimental evidence evaluating an impact on protein function in vitro, demonstrating a significant decrease in channel conductance in patient-derived intestinal organoids (Petrova_2019, Eframova_2019). The following publications have been ascertained in the context of this evaluation (PMID: 29095814, 30548586, 36604502, 39402445, 29997923, 40065563). ClinVar contains an entry for this variant (Variation ID: 2627368). Based on the evidence outlined above, the variant was classified as likely pathogenic.

Natera, Inc.
Classification: Likely pathogenic for CFTR-related disorders. Last evaluated: 2025-04-14. Review status: criteria provided, single submitter. Criteria: Natera Variant Classification Schema (03/2026). Collection method: clinical testing. Allele origin: germline.
Comment: The c.4262T>A variant in CFTR is a missense variant predicted to cause substitution of valine to glutamic acid at amino acid 1421. This variant is rare in the general population with a frequency below the threshold expected for the associated phenotype(s). This variant has been observed in one or more individuals affected with the associated recessive disease, as either homozygous or compound heterozygous with a second variant (PMID: 30548586, 29095814). Computational prediction algorithms indicate this variant is likely to affect gene or protein function. Given the available evidence, this variant is classified as Likely Pathogenic.

Baylor Genetics
Classification: Likely pathogenic for Bronchiectasis with or without elevated sweat chloride 1. Last evaluated: 2023-12-22. Review status: criteria provided, single submitter. Criteria: ACMG Guidelines, 2015. Collection method: clinical testing. Allele origin: unknown.

Juno Genomics, Hangzhou Juno Genomics, Inc
Classification: Likely pathogenic for Cystic fibrosis. Review status: criteria provided, single submitter. Criteria: ACMG Guidelines, 2015. Collection method: clinical testing. Allele origin: germline.
Comment: Absent from controls (or at extremely low frequency if recessive) in Genome Aggregation Database.;Multiple lines of computational evidence support a deleterious effect on the gene or gene product.;For recessive disorders, detected in trans with a pathogenic variant.;Patient's phenotype or family history is highly specific for a disease with a single genetic etiology.

Literature cited by the submitters: PubMed 29997923 (cited by Women's Health and Genetics/Laboratory Corporation of America, LabCorp); PubMed 30548586 (cited by Women's Health and Genetics/Laboratory Corporation of America, LabCorp and Natera, Inc.); PubMed 29095814 (cited by Women's Health and Genetics/Laboratory Corporation of America, LabCorp and Natera, Inc.); PubMed 36604502 (cited by Women's Health and Genetics/Laboratory Corporation of America, LabCorp); PubMed 39402445 (cited by Women's Health and Genetics/Laboratory Corporation of America, LabCorp); PubMed 40065563 (cited by Women's Health and Genetics/Laboratory Corporation of America, LabCorp).